The following is an entry in ClinVar:

ClinVar aggregate classification (germline): Likely benign. Review status: criteria provided, multiple submitters, no conflicts (2 of 4 stars). 2 submissions from 2 submitters: Likely benign (2). Last evaluated 2024-09-11.

Allele frequency attached by ClinVar (database versions not stated): gnomAD 0.00001; ExAC 0.00002; gnomAD exomes 0.00002; TOPMed 0.00003.
gnomAD v4.1: 31 of 1,613,014 alleles (0.0019%); highest among the groups gnomAD compares: Middle Eastern, 0.049%; no homozygotes.

Submissions (2):

Blueprint Genetics
Classification: Likely benign. Last evaluated: 2024-09-11. Review status: criteria provided, single submitter. Criteria: ACMG Guidelines, 2015. Collection method: clinical testing. Allele origin: germline.

CeGaT Center for Human Genetics Tuebingen
Classification: Likely benign. Last evaluated: 2023-01-01. Review status: criteria provided, single submitter. Criteria: CeGaT Center For Human Genetics Tuebingen Variant Classification Criteria Version 2. Collection method: clinical testing. Allele origin: germline. Affected: yes. Observed: 1 variant allele.
Comment: TUBB4B: BP4, BP7

NM_006088.6(TUBB4B):c.349C>T (p.Leu117=)

Gene: TUBB4B (tubulin beta 4B class IVb; plus strand). Cytogenetic location: 9q34.3.
Variant type: single nucleotide variant.
Coding change: c.349C>T on transcript NM_006088.6 (MANE Select); coding-DNA position 349, C replaced by T.
Protein change: p.Leu117=; no amino-acid change (leucine 117 retained).
Molecular consequence: synonymous variant.
Genome position (GRCh38, 1-based): chr9:137,242,567, C>T. VCF-style: chr9-137242567-C-T. GRCh37 (hg19) VCF-style: chr9-140137019-C-T.
Identifiers: ClinVar variation 2499116 (VCV002499116.29), dbSNP rs754121876, ClinGen allele CA5365326.